The following is an entry in ClinVar:

NM_001244008.2(KIF1A):c.1177G>A (p.Asp393Asn)

Gene: KIF1A (kinesin family member 1A; minus strand). Cytogenetic location: 2q37.3.
Variant type: single nucleotide variant.
Coding change: c.1177G>A on transcript NM_001244008.2 (MANE Select); coding-DNA position 1177, G replaced by A.
Protein change: p.Asp393Asn; replaces aspartic acid 393 with asparagine.
Molecular consequence: missense variant.
Genome position (GRCh38, 1-based): chr2:240,773,117, C>T on the plus strand (G>A on the coding strand, the complement: KIF1A is on the minus strand). VCF-style: chr2-240773117-C-T. GRCh37 (hg19) VCF-style: chr2-241712534-C-T.
Other names: c.1177G>A, p.Asp393Asn (NM_001320705.2, NM_001330289.2, NM_001330290.2 and 20 more transcripts); short protein forms D393N.
Identifiers: ClinVar variation 4682377 (VCV004682377.1).
Genomic context (GRCh38, chr2:240,773,117, plus strand): 5'-GCCCCTGAGCCTGAGGCCCCACAACCCTGTCCAGGACAGGCTGGAGCAGGCACTCACTGT[C>T]AGTGATGTCGCCAAGACCCTGGGCGTACAGAAGGTCCCGCAGCCGGGTCACCTCATCCTT-3'
Protein context (NP_001230937.1, residues 383-403): LYAQGLGDIT[Asp393Asn]TNTVPGGPKL

ClinVar aggregate classification (germline): Uncertain significance (1 of 4 stars; one submission).

Submission:

Athena Diagnostics
Classification: Uncertain significance. Last evaluated: 2025-03-26. Review status: criteria provided, single submitter. Criteria: Athena Diagnostics Criteria. Collection method: clinical testing. Allele origin: unknown.
Comment: Available data are insufficient to determine the clinical significance of the variant at this time. This variant has not been reported in large, multi-ethnic general populations. Polyphen and MutationTaster predict this amino acid change may be benign.